The following is an entry in ClinVar:

NM_172362.3(KCNH1):c.2246A>T (p.Glu749Val)

Gene: KCNH1 (potassium voltage-gated channel subfamily H member 1; minus strand). Cytogenetic location: 1q32.2.
Variant type: single nucleotide variant.
Coding change: c.2246A>T on transcript NM_172362.3 (MANE Select); coding-DNA position 2246, A replaced by T.
Protein change: p.Glu749Val; replaces glutamic acid 749 with valine.
Molecular consequence: missense variant.
Genome position (GRCh38, 1-based): chr1:210,684,005, T>A on the plus strand (A>T on the coding strand, the complement: KCNH1 is on the minus strand). VCF-style: chr1-210684005-T-A. GRCh37 (hg19) VCF-style: chr1-210857347-T-A.
Other names: c.2165A>T, p.Glu722Val (NM_002238.4); short protein forms E749V, E722V.
Identifiers: ClinVar variation 3712534 (VCV003712534.2).

ClinVar aggregate classification (germline): Uncertain significance (1 of 4 stars; one submission).

gnomAD v4.1: 1 of 1,597,570 alleles (0.000063%); highest among the groups gnomAD compares: African/African-American, 0.0013%; no homozygotes.

Submission:

Labcorp Genetics (formerly Invitae), Labcorp
Classification: Uncertain significance. Last evaluated: 2024-10-16. Review status: criteria provided, single submitter. Criteria: Invitae Variant Classification Sherloc (09022015). Collection method: clinical testing. Allele origin: germline.
Comment: This sequence change replaces glutamic acid, which is acidic and polar, with valine, which is neutral and non-polar, at codon 749 of the KCNH1 protein (p.Glu749Val). The frequency data for this variant in the population databases is considered unreliable, as metrics indicate poor data quality at this position in the gnomAD database. This variant has not been reported in the literature in individuals affected with KCNH1-related conditions. Invitae Evidence Modeling of protein sequence and biophysical properties (such as structural, functional, and spatial information, amino acid conservation, physicochemical variation, residue mobility, and thermodynamic stability) has been performed for this missense variant. However, the output from this modeling did not meet the statistical confidence thresholds required to predict the impact of this variant on KCNH1 protein function. In summary, the available evidence is currently insufficient to determine the role of this variant in disease. Therefore, it has been classified as a Variant of Uncertain Significance.